The following is an entry in ClinVar:

NM_000478.6(ALPL):c.1277G>C (p.Gly426Ala)

Gene: ALPL (alkaline phosphatase, biomineralization associated; plus strand). Cytogenetic location: 1p36.12.
Variant type: single nucleotide variant.
Coding change: c.1277G>C on transcript NM_000478.6 (MANE Select); coding-DNA position 1277, G replaced by C.
Protein change: p.Gly426Ala; replaces glycine 426 with alanine.
Molecular consequence: missense variant.
Genome position (GRCh38, 1-based): chr1:21,576,609, G>C. VCF-style: chr1-21576609-G-C. GRCh37 (hg19) VCF-style: chr1-21903102-G-C.
Other names: c.1112G>C, p.Gly371Ala (NM_001127501.4); c.1046G>C, p.Gly349Ala (NM_001177520.3); c.1277G>C, p.Gly426Ala (NM_001369803.2, NM_001369804.2, NM_001369805.2); short protein forms G349A, G371A, G426A.
Identifiers: ClinVar variation 4086886 (VCV004086886.2).
Genomic context (GRCh38, chr1:21,576,609, plus strand): 5'-ACAAGAAGCCCTTCACTGCCATCCTGTATGGCAATGGGCCTGGCTACAAGGTGGTGGGCG[G>C]TGAACGAGAGAATGTCTCCATGGTGGACTATGGTGAGACCTCCAGGACCCAGGGCTGGGA-3'
Protein context (NP_000469.3, residues 416-436): GNGPGYKVVG[Gly426Ala]ERENVSMVDY

ClinVar aggregate classification (germline): Pathogenic/Likely pathogenic. Review status: criteria provided, multiple submitters, no conflicts (2 of 4 stars). 2 submissions from 2 submitters: Pathogenic (1); Likely pathogenic (1). Last evaluated 2026-01-11.

Conditions:
Hypophosphatasia. Also called: Phosphoethanol-aminuria. Identifiers: Orphanet 436, MedGen C0020630, MeSH D007014, MONDO:0018570.

Submissions (2):

Labcorp Genetics (formerly Invitae), Labcorp
Classification: Pathogenic. Last evaluated: 2026-01-11. Review status: criteria provided, single submitter. Criteria: Invitae Variant Classification Sherloc (09022015). Collection method: clinical testing. Allele origin: germline.
Comment: This sequence change replaces glycine, which is neutral and non-polar, with alanine, which is neutral and non-polar, at codon 426 of the ALPL protein (p.Gly426Ala). This variant is not present in population databases (gnomAD no frequency). This missense change has been observed in individuals with clinical features of hypophosphatasia (PMID: 32987199; internal data). ClinVar contains an entry for this variant (Variation ID: 4086886). Invitae Evidence Modeling of protein sequence and biophysical properties (such as structural, functional, and spatial information, amino acid conservation, physicochemical variation, residue mobility, and thermodynamic stability) indicates that this missense variant is expected to disrupt ALPL protein function with a positive predictive value of 95%. This variant disrupts the p.Gly426 amino acid residue in ALPL. Other variant(s) that disrupt this residue have been determined to be pathogenic (PMID: 24276437, 28401263, 29236161). This suggests that this residue is clinically significant, and that variants that disrupt this residue are likely to be disease-causing. For these reasons, this variant has been classified as Pathogenic.

Genomenon, Inc
Classification: Likely pathogenic for Hypophosphatasia. Last evaluated: 2025-08-29. Review status: criteria provided, single submitter. Criteria: Genomenon Sequence Variant Interpretation Standards. Collection method: curation. Allele origin: germline. Affected: yes.
Comment: ALPL Gly426Ala (c.1277G>C) is a missense variant that changes the amino acid at residue 426 from Glycine to Alanine. This variant has been observed in at least one proband affected with hypophosphatasia (PMID:32987199). It is absent or not present at a significant frequency in gnomAD. In silico models agree that this variant is possibly or probably damaging. The presence of pathogenic missense variant(s) at the same amino acid position indicates that this residue is likely important for protein function. In conclusion, we classify ALPL p.Gly426Ala (c.1277G>C) as a likely pathogenic variant.

Literature cited by the submitters: PubMed 32987199 (cited by Labcorp Genetics (formerly Invitae), Labcorp and Genomenon, Inc); PubMed 24276437 (cited by Labcorp Genetics (formerly Invitae), Labcorp); PubMed 28401263 (cited by Labcorp Genetics (formerly Invitae), Labcorp); PubMed 29236161 (cited by Labcorp Genetics (formerly Invitae), Labcorp).